The following is an entry in ClinVar:

ClinVar aggregate classification (germline): Uncertain significance (1 of 4 stars; one submission).

gnomAD v4.1: 1 of 1,609,494 alleles (0.000062%); highest among the groups gnomAD compares: Admixed American, 0.0017%; no homozygotes.

Submission:

Labcorp Genetics (formerly Invitae), Labcorp
Classification: Uncertain significance. Last evaluated: 2026-01-06. Review status: criteria provided, single submitter. Criteria: Invitae Variant Classification Sherloc (09022015). Collection method: clinical testing. Allele origin: germline.
Comment: This sequence change replaces isoleucine, which is neutral and non-polar, with methionine, which is neutral and non-polar, at codon 19 of the FAN1 protein (p.Ile19Met). This variant is not present in population databases (gnomAD no frequency). This variant has not been reported in the literature in individuals affected with FAN1-related conditions. An algorithm developed to predict the effect of missense changes on protein structure and function (PolyPhen-2) suggests that this variant is likely to be tolerated. In summary, the available evidence is currently insufficient to determine the role of this variant in disease. Therefore, it has been classified as a Variant of Uncertain Significance.

NM_014967.5(FAN1):c.57C>G (p.Ile19Met)

Gene: FAN1 (FANCD2 and FANCI associated nuclease 1; plus strand). Cytogenetic location: 15q13.3.
Variant type: single nucleotide variant.
Coding change: c.57C>G on transcript NM_014967.5 (MANE Select); coding-DNA position 57, C replaced by G.
Protein change: p.Ile19Met; replaces isoleucine 19 with methionine.
Molecular consequence: missense variant.
Genome position (GRCh38, 1-based): chr15:30,904,720, C>G. VCF-style: chr15-30904720-C-G. GRCh37 (hg19) VCF-style: chr15-31196923-C-G.
Other names: c.57C>G, p.Ile19Met (NM_001146094.2, NM_001146095.1, NM_001146096.2); short protein forms I19M.
Identifiers: ClinVar variation 4734835 (VCV004734835.1).
Genomic context (GRCh38, chr15:30,904,720, plus strand): 5'-ACTCATGATGTCAGAAGGGAAACCTCCTGACAAAAAAAGGCCTCGTAGAAGCTTATCAAT[C>G]AGCAAGAATAAGAAAAAAGCATCTAATTCTATTATTTCGTGTTTTAACAATGCACCACCT-3'
Protein context (NP_055782.3, residues 9-29): DKKRPRRSLS[Ile19Met]SKNKKKASNS